The following is an entry in ClinVar:

NM_014915.3(ANKRD26):c.4223A>T (p.Asp1408Val)

Gene: ANKRD26 (ankyrin repeat domain containing 26; minus strand). Cytogenetic location: 10p12.1.
Variant type: single nucleotide variant.
Coding change: c.4223A>T on transcript NM_014915.3 (MANE Select); coding-DNA position 4223, A replaced by T.
Protein change: p.Asp1408Val; replaces aspartic acid 1408 with valine.
Molecular consequence: missense variant.
Genome position (GRCh38, 1-based): chr10:27,017,785, T>A on the plus strand (A>T on the coding strand, the complement: ANKRD26 is on the minus strand). VCF-style: chr10-27017785-T-A. GRCh37 (hg19) VCF-style: chr10-27306714-T-A.
Other names: c.4220A>T, p.Asp1407Val (NM_001256053.2); short protein forms D1407V, D1408V.
Identifiers: ClinVar variation 3913509 (VCV003913509.1).

ClinVar aggregate classification (germline): Uncertain significance (1 of 4 stars; one submission).

Conditions:
Inborn genetic diseases. Identifiers: MedGen C0950123, MeSH D030342.

Submission:

Ambry Genetics
Classification: Uncertain significance for Inborn genetic diseases. Last evaluated: 2025-03-31. Review status: criteria provided, single submitter. Criteria: Ambry Variant Classification Scheme 2023. Collection method: clinical testing. Allele origin: germline.
Comment: The p.D1408V variant (also known as c.4223A>T), located in coding exon 30 of the ANKRD26 gene, results from an A to T substitution at nucleotide position 4223. The aspartic acid at codon 1408 is replaced by valine, an amino acid with highly dissimilar properties. This amino acid position is conserved. In addition, the in silico prediction for this alteration is inconclusive. Based on the available evidence, the clinical significance of this variant remains unclear.